The following is an entry in ClinVar:

NM_000038.6(APC):c.4564T>C (p.Leu1522=)

Gene: APC (APC regulator of Wnt signaling pathway; plus strand). Cytogenetic location: 5q22.2.
Variant type: single nucleotide variant.
Coding change: c.4564T>C on transcript NM_000038.6 (MANE Select); coding-DNA position 4564, T replaced by C.
Protein change: p.Leu1522=; no amino-acid change (leucine 1522 retained).
Molecular consequence: synonymous variant. On other transcripts: non-coding transcript variant (2).
Genome position (GRCh38, 1-based): chr5:112,840,158, T>C. VCF-style: chr5-112840158-T-C. GRCh37 (hg19) VCF-style: chr5-112175855-T-C.
Other names: c.4564T>C, p.Leu1522= (NM_001127510.3, NM_001354895.2, NM_001407450.1); c.4510T>C, p.Leu1504= (NM_001127511.3); c.4618T>C, p.Leu1540= (NM_001354896.2, NM_001407447.1, NM_001407448.1 and 1 more transcripts); c.4594T>C, p.Leu1532= (NM_001354897.2); c.4489T>C, p.Leu1497= (NM_001354898.2); c.4480T>C, p.Leu1494= (NM_001354899.2); c.4441T>C, p.Leu1481= (NM_001354900.2); c.4387T>C, p.Leu1463= (NM_001354901.2, NM_001407453.1); and 11 more.
Identifiers: ClinVar variation 3148181 (VCV003148181.1), dbSNP rs2149917667, ClinGen allele CA446206589.

ClinVar aggregate classification (germline): Benign (1 of 4 stars; one submission).

Conditions:
Familial adenomatous polyposis 1 (FAP1). Also called: POLYPOSIS, ADENOMATOUS INTESTINAL; FAMILIAL ADENOMATOUS POLYPOSIS 1, ATTENUATED. Identifiers: MedGen C2713442, MONDO:0021056, OMIM 175100. Disease mechanism: loss of function.

Submission:

Myriad Genetics, Inc.
Classification: Benign for Familial adenomatous polyposis 1. Last evaluated: 2024-03-27. Review status: criteria provided, single submitter. Criteria: Myriad Autosomal Dominant, Autosomal Recessive and X-Linked Classification Criteria (2023). Collection method: clinical testing. Allele origin: unknown.
Comment: This variant is considered benign. This variant is a silent/synonymous amino acid change and it is not expected to impact splicing.